The following is an entry in ClinVar:

ClinVar aggregate classification (germline): Uncertain significance. Review status: criteria provided, multiple submitters, no conflicts (2 of 4 stars). 2 submissions from 2 submitters: Uncertain significance (2). Last evaluated 2022-09-12.

Submissions (2):

GeneDx
Classification: Uncertain significance. Last evaluated: 2022-09-12. Review status: criteria provided, single submitter. Criteria: GeneDx Variant Classification Process June 2021. Collection method: clinical testing. Allele origin: germline. Affected: yes.
Comment: Not observed at significant frequency in large population cohorts (gnomAD); In silico analysis supports that this missense variant has a deleterious effect on protein structure/function; Has not been previously published as pathogenic or benign to our knowledge

Labcorp Genetics (formerly Invitae), Labcorp
Classification: Uncertain significance. Last evaluated: 2022-06-14. Review status: criteria provided, single submitter. Criteria: Invitae Variant Classification Sherloc (09022015). Collection method: clinical testing. Allele origin: germline.
Comment: In summary, the available evidence is currently insufficient to determine the role of this variant in disease. Therefore, it has been classified as a Variant of Uncertain Significance. Algorithms developed to predict the effect of missense changes on protein structure and function are either unavailable or do not agree on the potential impact of this missense change (SIFT: "Deleterious"; PolyPhen-2: "Benign"; Align-GVGD: "Class C25"). This variant has not been reported in the literature in individuals affected with VCAN-related conditions. This variant is not present in population databases (gnomAD no frequency). This sequence change replaces proline, which is neutral and non-polar, with histidine, which is basic and polar, at codon 2285 of the VCAN protein (p.Pro2285His).

NM_004385.5(VCAN):c.6854C>A (p.Pro2285His)

Genes: VCAN (versican; plus strand), VCAN-AS1 (VCAN antisense RNA 1; minus strand). Cytogenetic location: 5q14.3.
Variant type: single nucleotide variant.
Coding change: c.6854C>A on transcript NM_004385.5 (MANE Select); coding-DNA position 6854, C replaced by A.
Protein change: p.Pro2285His; replaces proline 2285 with histidine.
Molecular consequence: missense variant. On other transcripts: intron variant (2).
Genome position (GRCh38, 1-based): chr5:83,539,857, C>A. VCF-style: chr5-83539857-C-A. GRCh37 (hg19) VCF-style: chr5-82835676-C-A.
Other names: c.6854C>A (NM_004385.4); c.1043-5680C>A (NM_001126336.3); c.3893C>A, p.Pro1298His (NM_001164097.2); c.4004-5680C>A (NM_001164098.2); short protein forms P1298H, P2285H.
Identifiers: ClinVar variation 2006493 (VCV002006493.5), dbSNP rs2479115438, ClinGen allele CA360313478.